The following is an entry in ClinVar:

ClinVar aggregate classification (germline): Likely pathogenic (1 of 4 stars; one submission).

Conditions:
Tyrosinemia type II (TYRSN2). Also called: KERATOSIS PALMOPLANTARIS WITH CORNEAL DYSTROPHY; OREGON TYPE TYROSINEMIA; TAT DEFICIENCY; TYROSINE AMINOTRANSFERASE DEFICIENCY; TYROSINE TRANSAMINASE DEFICIENCY. Identifiers: Orphanet 28378, MedGen C0268487, MONDO:0010160, OMIM 276600.

Submission:

Myriad Genetics, Inc.
Classification: Likely pathogenic for Tyrosinemia type II. Last evaluated: 2022-01-26. Review status: criteria provided, single submitter. Criteria: Myriad Women's Health Autosomal Recessive and X-Linked Classification Criteria (2021). Collection method: clinical testing. Allele origin: unknown.
Comment: NM_000353.2(TAT):c.1015delT(Y339Tfs*5) is expected to be pathogenic in the context of tyrosinemia type II. This variant is predicted to lead to an abnormal or absent protein product due to the creation of a premature termination codon in TAT, a gene where loss-of-function variants are known to be pathogenic. Please note: this variant was assessed in the context of healthy population screening.

NM_000353.3(TAT):c.1015del (p.Tyr339fs)

Genes: TAT (tyrosine aminotransferase; minus strand), TAT-AS1 (TAT antisense RNA 1; plus strand). Cytogenetic location: 16q22.2.
Variant type: Deletion.
Coding change: c.1015del on transcript NM_000353.3 (MANE Select); coding-DNA position 1015, one base deleted (T; older notation c.1015delT).
Protein change: p.Tyr339fs; shifts the reading frame from tyrosine 339.
Molecular consequence: frameshift variant.
Genome position (GRCh38, 1-based): chr16:71,570,295, A deleted on the plus strand (T on the coding strand, the reverse complement: TAT is on the minus strand); the first of 4 consecutive A bases (chr16:71,570,295-71,570,298); deleting any one gives the same sequence. VCF-style (leftmost placement, unchanged base first): chr16-71570294-TA-T. GRCh37 (hg19) VCF-style: chr16-71604197-TA-T.
Other names: short protein forms Y339fs.
Identifiers: ClinVar variation 1724128 (VCV001724128.2), dbSNP rs2507662751, ClinGen allele CA2580092038.